The following is an entry in ClinVar:

ClinVar aggregate classification (germline): Benign (1 of 4 stars; one submission).

Allele frequency attached by ClinVar (database versions not stated): TOPMed 0.00246; 1000 Genomes Project 30x 0.00250; 1000 Genomes Project 0.00280; gnomAD exomes 0.00378.
gnomAD v4.1: 3,728 of 985,366 alleles (0.38%); highest among the groups gnomAD compares: South Asian, 0.78%; 4 homozygotes.

Submission:

CeGaT Center for Human Genetics Tuebingen
Classification: Benign. Last evaluated: 2022-12-01. Review status: criteria provided, single submitter. Criteria: CeGaT Center For Human Genetics Tuebingen Variant Classification Criteria Version 2. Collection method: clinical testing. Allele origin: germline. Affected: yes. Observed: 1 variant allele.
Comment: CA5A: BS1, BS2

NM_001739.2(CA5A):c.340+2435T>C

Gene: CA5A (carbonic anhydrase 5A; minus strand). Cytogenetic location: 16q24.2.
Variant type: single nucleotide variant.
Coding change: c.340+2435T>C on transcript NM_001739.2 (MANE Select); 2435 bases into the intron after coding-DNA position 340, T replaced by C.
Molecular consequence: intron variant.
Genome position (GRCh38, 1-based): chr16:87,924,313, A>G on the plus strand (T>C on the coding strand, the complement: CA5A is on the minus strand). VCF-style: chr16-87924313-A-G. GRCh37 (hg19) VCF-style: chr16-87957919-A-G.
Other names: c.340+2435T>C (NM_001367225.1).
Identifiers: ClinVar variation 1879345 (VCV001879345.29), dbSNP rs116846882, ClinGen allele CA286221973.